The following is an entry in ClinVar:

NM_019892.6(INPP5E):c.1221G>A (p.Leu407=)

Gene: INPP5E (inositol polyphosphate-5-phosphatase E; minus strand). Cytogenetic location: 9q34.3.
Variant type: single nucleotide variant.
Coding change: c.1221G>A on transcript NM_019892.6 (MANE Select); coding-DNA position 1221, G replaced by A.
Protein change: p.Leu407=; no amino-acid change (leucine 407 retained).
Molecular consequence: synonymous variant.
Genome position (GRCh38, 1-based): chr9:136,433,014, C>T on the plus strand (G>A on the coding strand, the complement: INPP5E is on the minus strand). VCF-style: chr9-136433014-C-T. GRCh37 (hg19) VCF-style: chr9-139327466-C-T.
Other names: c.1221G>A, p.Leu407= (NM_001318502.2); c.1221G>A (NM_019892.5).
Identifiers: ClinVar variation 2984334 (VCV002984334.4), dbSNP rs775567331, ClinGen allele CA5336875.
Genomic context (GRCh38, chr9:136,433,014, plus strand): 5'-ACAGGTGAAGTGGGACGTGATGAAGAGGAAGGAAGTGCCAAAAAAGGTGAAGCTGATGCC[C>T]AAGGCCCCCTTGGTCTTGATCTGAGACACGATGCGTGTGGTCACCGTGGAGCACTCCACC-3'
Protein context (NP_063945.2, residues 397-417): IVSQIKTKGA[Leu407=]GISFTFFGTS

ClinVar aggregate classification (germline): Likely benign. Review status: criteria provided, single submitter (1 of 4 stars). 2 submissions from 2 submitters: Likely benign (1). 1 of the submissions does not count toward it. Last evaluated 2023-04-24.

Conditions:
Joubert syndrome. Also called: CEREBELLOPARENCHYMAL DISORDER IV; JOUBERT-BOLTSHAUSER SYNDROME; Familial aplasia of the vermis. Identifiers: Orphanet 475, MedGen C5979921, MONDO:0018772.
INPP5E-related disorder. Also called: INPP5E-related condition.

Allele frequency attached by ClinVar (database versions not stated): gnomAD exomes below 0.00001; ExAC 0.00001; gnomAD 0.00001; TOPMed 0.00001.
gnomAD v4.1: 7 of 1,613,530 alleles (0.00043%); highest among the groups gnomAD compares: African/African-American, 0.0053%; no homozygotes.

Submissions (2):

Labcorp Genetics (formerly Invitae), Labcorp
Classification: Likely benign for Joubert syndrome. Last evaluated: 2023-04-24. Review status: criteria provided, single submitter. Criteria: Invitae Variant Classification Sherloc (09022015). Collection method: clinical testing. Allele origin: germline.

PreventionGenetics, part of Exact Sciences
Classification: Likely benign for INPP5E-related condition. Last evaluated: 2021-11-17. Review status: no assertion criteria provided. Collection method: clinical testing. Allele origin: germline. Not counted in ClinVar's aggregate classification.
Comment: This variant is classified as likely benign based on ACMG/AMP sequence variant interpretation guidelines (Richards et al. 2015 PMID: 25741868, with internal and published modifications).